The following is an entry in ClinVar:

NM_014915.3(ANKRD26):c.503A>G (p.Tyr168Cys)

Gene: ANKRD26 (ankyrin repeat domain 26; minus strand). Cytogenetic location: 10p12.1.
Variant type: single nucleotide variant.
Coding change: c.503A>G on transcript NM_014915.3 (MANE Select); coding-DNA position 503, A replaced by G.
Protein change: p.Tyr168Cys; replaces tyrosine 168 with cysteine.
Molecular consequence: missense variant.
Genome position (GRCh38, 1-based): chr10:27,093,377, T>C on the plus strand (A>G on the coding strand, the complement: ANKRD26 is on the minus strand). VCF-style: chr10-27093377-T-C. GRCh37 (hg19) VCF-style: chr10-27382306-T-C.
Other names: c.503A>G, p.Tyr168Cys (NM_001256053.2); short protein forms Y168C.
Identifiers: ClinVar variation 5023555 (VCV005023555.1).

ClinVar aggregate classification (germline): Uncertain significance (1 of 4 stars; one submission).

Conditions:
Inborn genetic diseases. Identifiers: MedGen C0950123, MeSH D030342.

gnomAD v4.1: 5 of 1,614,014 alleles (0.00031%); highest among the groups gnomAD compares: South Asian, 0.0022%; no homozygotes.

Submission:

Ambry Genetics
Classification: Uncertain significance for Inborn genetic diseases. Last evaluated: 2026-08-16. Review status: criteria provided, single submitter. Criteria: Ambry Variant Classification Scheme 2023. Collection method: clinical testing. Allele origin: germline.
Comment: The p.Y168C variant (also known as c.503A>G), located in coding exon 3 of the ANKRD26 gene, results from an A to G substitution at nucleotide position 503. The tyrosine at codon 168 is replaced by cysteine, an amino acid with highly dissimilar properties. This amino acid position is conserved. In addition, this alteration is predicted to be tolerated by in silico analysis. Based on the available evidence, the clinical significance of this variant remains unclear.